The following is an entry in ClinVar:

NM_000181.4(GUSB):c.216C>T (p.Gly72=)

Gene: GUSB (glucuronidase beta; minus strand). Cytogenetic location: 7q11.21.
Variant type: single nucleotide variant.
Coding change: c.216C>T on transcript NM_000181.4 (MANE Select); coding-DNA position 216, C replaced by T.
Protein change: p.Gly72=; no amino-acid change (glycine 72 retained).
Molecular consequence: synonymous variant. On other transcripts: 5 prime UTR variant (2), non-coding transcript variant (1).
Genome position (GRCh38, 1-based): chr7:65,980,404, G>A on the plus strand (C>T on the coding strand, the complement: GUSB is on the minus strand). VCF-style: chr7-65980404-G-A. GRCh37 (hg19) VCF-style: chr7-65445391-G-A.
Other names: p.Gly72=; c.216C>T, p.Gly72= (NM_001284290.2); c.-170C>T (NM_001293104.2); c.-114C>T (NM_001293105.2).
Identifiers: ClinVar variation 360553 (VCV000360553.20), dbSNP rs77774169, ClinGen allele CA4276708.

ClinVar aggregate classification (germline): Benign/Likely benign. Review status: criteria provided, multiple submitters, no conflicts (2 of 4 stars). 5 submissions from 5 submitters: Benign (3); Likely benign (2). Last evaluated 2026-02-01.

Conditions:
Mucopolysaccharidosis type 7 (MPS7). Also called: GUSB DEFICIENCY; SLY SYNDROME; BETA-GLUCURONIDASE DEFICIENCY; MPS VII. Identifiers: Orphanet 584, MedGen C0085132, MONDO:0009662, OMIM 253220.

Allele frequency attached by ClinVar (database versions not stated): gnomAD exomes 0.00029 and 0.00077; ExAC 0.00104; gnomAD 0.00330 and 0.00351; TOPMed 0.00357; 1000 Genomes Project 30x 0.00390; 1000 Genomes Project 0.00399; ESP Exome Variant Server 0.00415.
gnomAD v4.1: 953 of 1,612,988 alleles (0.059%); highest among the groups gnomAD compares: African/African-American, 1.1%; 8 homozygotes.

Submissions (5):

Labcorp Genetics (formerly Invitae), Labcorp
Classification: Benign for Mucopolysaccharidosis type 7. Last evaluated: 2026-02-01. Review status: criteria provided, single submitter. Criteria: Invitae Variant Classification Sherloc (09022015). Collection method: clinical testing. Allele origin: germline.

Mayo Clinic Laboratories, Mayo Clinic
Classification: Likely benign. Last evaluated: 2025-04-01. Review status: criteria provided, single submitter. Criteria: ACMG Guidelines, 2015. Collection method: clinical testing. Allele origin: germline. Observed: 4 variant alleles.
Comment: BA1, BP4, BP7

Blueprint Genetics
Classification: Likely benign. Last evaluated: 2024-10-09. Review status: criteria provided, single submitter. Criteria: ACMG Guidelines, 2015. Collection method: clinical testing. Allele origin: germline.

Illumina Laboratory Services, Illumina
Classification: Benign for Mucopolysaccharidosis type 7. Last evaluated: 2018-01-13. Review status: criteria provided, single submitter. Criteria: ICSL Variant Classification Criteria 13 December 2019. Collection method: clinical testing. Allele origin: germline.
Comment: This variant was observed in the ICSL laboratory as part of a predisposition screen in an ostensibly healthy population. It had not been previously curated by ICSL or reported in the Human Gene Mutation Database (HGMD: prior to June 1st, 2018), and was therefore a candidate for classification through an automated scoring system. Utilizing variant allele frequency, disease prevalence and penetrance estimates, and inheritance mode, an automated score was calculated to assess if this variant is too frequent to cause the disease. Based on the score and internal cut-off values, a variant classified as benign is not then subjected to further curation. The score for this variant resulted in a classification of benign for this disease.

Breakthrough Genomics
Classification: Benign. Review status: criteria provided, single submitter. Criteria: ACMG Guidelines, 2015. Collection method: not provided. Allele origin: germline. Inheritance: Autosomal recessive inheritance. Affected: yes.